The following is an entry in ClinVar:

NM_031448.6(C19orf12):c.207G>C (p.Gln69His)

Gene: C19orf12 (chromosome 19 open reading frame 12; minus strand). Cytogenetic location: 19q12.
Variant type: single nucleotide variant.
Coding change: c.207G>C on transcript NM_031448.6 (MANE Select); coding-DNA position 207, G replaced by C.
Protein change: p.Gln69His; replaces glutamine 69 with histidine.
Molecular consequence: missense variant.
Genome position (GRCh38, 1-based): chr19:29,702,931, C>G on the plus strand (G>C on the coding strand, the complement: C19orf12 is on the minus strand). VCF-style: chr19-29702931-C-G. GRCh37 (hg19) VCF-style: chr19-30193838-C-G.
Other names: c.207G>C, p.Gln69His (NM_001031726.4, NM_001256046.3, NM_001256047.2); c.15G>C, p.Gln5His (NM_001282929.1, NM_001282930.3, NM_001282931.3); short protein forms Q5H, Q69H.
Identifiers: ClinVar variation 2662190 (VCV002662190.1), dbSNP rs770835707, ClinGen allele CA9351914.

ClinVar aggregate classification (germline): Uncertain significance (1 of 4 stars; one submission).

Allele frequency attached by ClinVar (database versions not stated): TOPMed below 0.00001; ExAC 0.00001.

Submission:

GeneDx
Classification: Uncertain significance. Last evaluated: 2023-04-26. Review status: criteria provided, single submitter. Criteria: GeneDx Variant Classification Process June 2021. Collection method: clinical testing. Allele origin: germline. Affected: yes.
Comment: Not observed at significant frequency in large population cohorts (gnomAD); In silico analysis supports that this missense variant has a deleterious effect on protein structure/function; Has not been previously published as pathogenic or benign to our knowledge